The following is an entry in ClinVar:

ClinVar aggregate classification (germline): Uncertain significance (1 of 4 stars; one submission).

Conditions:
Severe combined immunodeficiency due to DNA-PKcs deficiency. Also called: IMMUNODEFICIENCY 26 WITH NEUROLOGIC ABNORMALITIES; Immunodeficiency 26 with or without neurologic abnormalities. Identifiers: Orphanet 317425, MedGen C4014833, MONDO:0014423, OMIM 615966.

Allele frequency attached by ClinVar (database versions not stated): gnomAD exomes below 0.00001.
gnomAD v4.1: 1 of 1,515,614 alleles (0.000066%); highest among the groups gnomAD compares: Middle Eastern, 0.018%; no homozygotes.

Submission:

Labcorp Genetics (formerly Invitae), Labcorp
Classification: Uncertain significance for Immunodeficiency 26 with or without neurologic abnormalities. Last evaluated: 2019-11-03. Review status: criteria provided, single submitter. Criteria: Invitae Variant Classification Sherloc (09022015). Collection method: clinical testing. Allele origin: germline.
Comment: This sequence change replaces serine with cysteine at codon 1203 of the PRKDC protein (p.Ser1203Cys). The serine residue is highly conserved and there is a moderate physicochemical difference between serine and cysteine. This variant is not present in population databases (ExAC no frequency). This variant has not been reported in the literature in individuals with PRKDC-related conditions. Algorithms developed to predict the effect of missense changes on protein structure and function are either unavailable or do not agree on the potential impact of this missense change (SIFT: "Deleterious"; PolyPhen-2: "Not Available"; Align-GVGD: "Class C15"). In summary, the available evidence is currently insufficient to determine the role of this variant in disease. Therefore, it has been classified as a Variant of Uncertain Significance.

NM_006904.7(PRKDC):c.3608C>G (p.Ser1203Cys)

Gene: PRKDC (protein kinase, DNA-activated, catalytic subunit; minus strand). Cytogenetic location: 8q11.21.
Variant type: single nucleotide variant.
Coding change: c.3608C>G on transcript NM_006904.7 (MANE Select); coding-DNA position 3608, C replaced by G.
Protein change: p.Ser1203Cys; replaces serine 1203 with cysteine.
Molecular consequence: missense variant.
Genome position (GRCh38, 1-based): chr8:47,893,378, G>C on the plus strand (C>G on the coding strand, the complement: PRKDC is on the minus strand). VCF-style: chr8-47893378-G-C. GRCh37 (hg19) VCF-style: chr8-48805938-G-C.
Other names: c.3608C>G, p.Ser1203Cys (NM_001081640.2); short protein forms S1203C.
Identifiers: ClinVar variation 969017 (VCV000969017.1), dbSNP rs2089506357, ClinGen allele CA371151327.